The following is an entry in ClinVar:

NM_213599.3(ANO5):c.1165T>C (p.Phe389Leu)

Gene: ANO5 (anoctamin 5; plus strand). Cytogenetic location: 11p14.3.
Variant type: single nucleotide variant.
Coding change: c.1165T>C on transcript NM_213599.3 (MANE Select); coding-DNA position 1165, T replaced by C.
Protein change: p.Phe389Leu; replaces phenylalanine 389 with leucine.
Molecular consequence: missense variant.
Genome position (GRCh38, 1-based): chr11:22,250,996, T>C. VCF-style: chr11-22250996-T-C. GRCh37 (hg19) VCF-style: chr11-22272542-T-C.
Other names: c.1162T>C, p.Phe388Leu (NM_001142649.2); short protein forms F389L, F388L.
Identifiers: ClinVar variation 285199 (VCV000285199.16), dbSNP rs886043042, ClinGen allele CA10605033.

ClinVar aggregate classification (germline): Uncertain significance. Review status: criteria provided, multiple submitters, no conflicts (2 of 4 stars). 4 submissions from 4 submitters: Uncertain significance (4). Last evaluated 2026-09-12.

Conditions:
Gnathodiaphyseal dysplasia (GDD). Also called: GNATHODIAPHYSEAL SCLEROSIS; OSTEOGENESIS IMPERFECTA WITH UNUSUAL SKELETAL LESIONS. Identifiers: Orphanet 53697, MedGen C1833736, MONDO:0008151, OMIM 166260.
Autosomal recessive limb-girdle muscular dystrophy type 2L (LGMDR12). Also called: Limb-girdle muscular dystrophy, type 2L; Limb-Girdle Muscular Dystrophy R12 Anoctamin-5-Related (LGMD-R12); MUSCULAR DYSTROPHY, LIMB-GIRDLE, AUTOSOMAL RECESSIVE 12. Identifiers: Orphanet 206549, MedGen C1969785, MONDO:0012652, OMIM 611307.

Allele frequency attached by ClinVar (database versions not stated): gnomAD exomes below 0.00001 and 0.00001; TOPMed below 0.00001; gnomAD 0.00003 and 0.00004.
gnomAD v4.1: 13 of 1,611,594 alleles (0.00081%); highest among the groups gnomAD compares: Admixed American, 0.0033%; no homozygotes.

Submissions (4):

GeneDx
Classification: Uncertain significance. Last evaluated: 2026-09-12. Review status: criteria provided, single submitter. Criteria: GeneDx Variant Classification Process June 2021. Collection method: clinical testing. Allele origin: germline.
Comment: Identified in a patient with clinically suspected limb-girdle muscular dystrophy, but a second ANO5 variant was not identified (PMID: 30564623); Not observed at significant frequency in large population cohorts (gnomAD); In silico analysis supports that this missense variant has a deleterious effect on protein structure/function; This variant is associated with the following publications: (PMID: 30564623, 39678382)

Labcorp Genetics (formerly Invitae), Labcorp
Classification: Uncertain significance for Autosomal recessive limb-girdle muscular dystrophy type 2L; Gnathodiaphyseal dysplasia. Last evaluated: 2025-11-22. Review status: criteria provided, single submitter. Criteria: Invitae Variant Classification Sherloc (09022015). Collection method: clinical testing. Allele origin: germline.
Comment: This sequence change replaces phenylalanine, which is neutral and non-polar, with leucine, which is neutral and non-polar, at codon 389 of the ANO5 protein (p.Phe389Leu). This variant is present in population databases (no rsID available, gnomAD 0.002%). This missense change has been observed in individual(s) with clinical features of limb-girdle muscular dystrophy (PMID: 30564623, 39678382; internal data). ClinVar contains an entry for this variant (Variation ID: 285199). Invitae Evidence Modeling of protein sequence and biophysical properties (such as structural, functional, and spatial information, amino acid conservation, physicochemical variation, residue mobility, and thermodynamic stability) has been performed for this missense variant. However, the output from this modeling did not meet the statistical confidence thresholds required to predict the impact of this variant on ANO5 protein function. In summary, the available evidence is currently insufficient to determine the role of this variant in disease. Therefore, it has been classified as a Variant of Uncertain Significance.

Revvity Omics, Revvity
Classification: Uncertain significance. Last evaluated: 2019-02-13. Review status: criteria provided, single submitter. Criteria: ACMG Guidelines, 2015. Collection method: clinical testing. Allele origin: germline.

Eurofins Ntd Llc (ga)
Classification: Uncertain significance. Last evaluated: 2015-12-03. Review status: criteria provided, single submitter. Criteria: EGL Classification Definitions 2015. Collection method: clinical testing. Allele origin: germline. Observed: 1 variant allele, 1 heterozygote.

Literature cited by the submitters: PubMed 30564623 (cited by Labcorp Genetics (formerly Invitae), Labcorp); PubMed 39678382 (cited by Labcorp Genetics (formerly Invitae), Labcorp).